The following is an entry in ClinVar:

ClinVar aggregate classification (germline): other (0 of 4 stars; one submission).

Conditions:
Familial colorectal cancer. Identifiers: MedGen CN280943, MONDO:0023113. Disease mechanism: loss of function.

Allele frequency attached by ClinVar (database versions not stated): 1000 Genomes Project 0.43251; gnomAD 0.38782 and 0.40054; TOPMed 0.40402; 1000 Genomes Project 30x 0.42739.
gnomAD v4.1: 61,062 of 151,996 alleles (40%); highest among the groups gnomAD compares: East Asian, 65%; 14,777 homozygotes.

Submission:

Systems Biology Platform Zhejiang California International NanoSystems Institute
Classification: other for Familial colorectal cancer. Review status: no assertion criteria provided. Collection method: not provided. Allele origin: unknown.
ClinVar note: Converted during submission from cancer to other.

NM_000038.6(APC):c.423-3600C>T

Gene: APC (APC regulator of WNT signaling pathway; plus strand). Cytogenetic location: 5q22.2.
Variant type: single nucleotide variant.
Coding change: c.423-3600C>T on transcript NM_000038.6 (MANE Select); 3600 bases into the intron before coding-DNA position 423, C replaced by T.
Molecular consequence: intron variant.
Genome position (GRCh38, 1-based): chr5:112,772,029, C>T. VCF-style: chr5-112772029-C-T. GRCh37 (hg19) VCF-style: chr5-112107726-C-T.
Other names: c.423-3600C>T (NM_001354895.2, NM_001127510.3, NM_001354896.2 and 2 more transcripts); c.453-3600C>T (NM_001354897.2, NM_001354902.2, NM_001127511.3); c.348-3600C>T (NM_001354898.2, NM_001354904.2); c.-613-3600C>T (NM_001354906.2); c.246-3600C>T (NM_001354900.2, NM_001354901.2, NM_001354905.2).
Identifiers: ClinVar variation 82889 (VCV000082889.2), dbSNP rs2439589, ClinGen allele CA009300.